The following is an entry in ClinVar:

NM_014049.5(ACAD9):c.1806_1816dup (p.Leu606fs)

Genes: ACAD9 (acyl-CoA dehydrogenase family member 9; plus strand), CFAP92 (cilia and flagella associated protein 92 (putative); minus strand). Cytogenetic location: 3q21.3.
Variant type: Duplication.
Coding change: c.1806_1816dup on transcript NM_014049.5 (MANE Select); coding-DNA positions 1806 to 1816, 11 bases duplicated (CCAGCAGATCC).
Protein change: p.Leu606fs; shifts the reading frame from leucine 606.
Molecular consequence: frameshift variant. On other transcripts: non-coding transcript variant (1), intron variant (3).
Genome position (GRCh38, 1-based): chr3:128,912,547-128,912,557, CCAGCAGATCC duplicated; duplicating any 11 consecutive bases within chr3:128,912,546-128,912,557 gives the same sequence; the c. name uses the placement nearest the transcript's 3' end. VCF-style (leftmost placement, unchanged base first): chr3-128912545-T-TCCCAGCAGATC. GRCh37 (hg19) VCF-style: chr3-128631388-T-TCCCAGCAGATC.
Other names: c.1437_1447dup, p.Leu483fs (NM_001410805.1); c.2312-2223_2312-2213dup (NM_001348521.2); c.2408-2223_2408-2213dup (NM_001348520.2); c.3281-2223_3281-2213dup (NM_001394090.1); short protein forms L606fs, L483fs.
Identifiers: ClinVar variation 1988383 (VCV001988383.5), dbSNP rs2529107343, ClinGen allele CA2577891636.

ClinVar aggregate classification (germline): Pathogenic/Likely pathogenic. Review status: criteria provided, multiple submitters, no conflicts (2 of 4 stars). 2 submissions from 2 submitters: Pathogenic (1); Likely pathogenic (1). Last evaluated 2023-10-17.

Conditions:
Acyl-CoA dehydrogenase 9 deficiency. Also called: Acyl-CoA dehydrogenase family, member 9, deficiency of; MITOCHONDRIAL COMPLEX I DEFICIENCY, NUCLEAR TYPE 20. Identifiers: Orphanet 99901, MedGen C4747517, MONDO:0012624, OMIM 611126.

Submissions (2):

Baylor Genetics
Classification: Likely pathogenic for Acyl-CoA dehydrogenase 9 deficiency. Last evaluated: 2023-10-17. Review status: criteria provided, single submitter. Criteria: ACMG Guidelines, 2015. Collection method: clinical testing. Allele origin: unknown.

Labcorp Genetics (formerly Invitae), Labcorp
Classification: Pathogenic. Last evaluated: 2022-06-19. Review status: criteria provided, single submitter. Criteria: Invitae Variant Classification Sherloc (09022015). Collection method: clinical testing. Allele origin: germline.
Comment: For these reasons, this variant has been classified as Pathogenic. This variant disrupts a region of the ACAD9 protein in which other variant(s) (p.Pro616Ser) have been determined to be pathogenic (PMID: 25326637, 30831263). This suggests that this is a clinically significant region of the protein, and that variants that disrupt it are likely to be disease-causing. This variant has not been reported in the literature in individuals affected with ACAD9-related conditions. This variant is not present in population databases (gnomAD no frequency). This sequence change results in a frameshift in the ACAD9 gene (p.Leu606Profs*55). While this is not anticipated to result in nonsense mediated decay, it is expected to disrupt the last 16 amino acid(s) of the ACAD9 protein and extend the protein by 38 additional amino acid residues.

Literature cited by the submitters: PubMed 25326637 (cited by Labcorp Genetics (formerly Invitae), Labcorp); PubMed 30831263 (cited by Labcorp Genetics (formerly Invitae), Labcorp).